The following is an entry in ClinVar:

ClinVar aggregate classification (germline): Likely benign. Review status: criteria provided, multiple submitters, no conflicts (2 of 4 stars). 3 submissions from 3 submitters: Likely benign (2). 1 of the submissions does not count toward it. Last evaluated 2026-01-15.

Conditions:
NTRK2-related disorder. Also called: NTRK2-related condition.

Allele frequency attached by ClinVar (database versions not stated): ExAC 0.00001; gnomAD 0.00001; gnomAD exomes 0.00002 and 0.00005; TOPMed 0.00002.
gnomAD v4.1: 31 of 1,614,062 alleles (0.0019%); highest among the groups gnomAD compares: Non-Finnish European, 0.0024%; no homozygotes.

Submissions (3):

Labcorp Genetics (formerly Invitae), Labcorp
Classification: Likely benign. Last evaluated: 2026-01-15. Review status: criteria provided, single submitter. Criteria: Invitae Variant Classification Sherloc (09022015). Collection method: clinical testing. Allele origin: germline.

Blueprint Genetics
Classification: Likely benign. Last evaluated: 2024-04-26. Review status: criteria provided, single submitter. Criteria: ACMG Guidelines, 2015. Collection method: clinical testing. Allele origin: germline.

PreventionGenetics, part of Exact Sciences
Classification: Likely benign for NTRK2-related condition. Last evaluated: 2023-08-07. Review status: no assertion criteria provided. Collection method: clinical testing. Allele origin: germline. Not counted in ClinVar's aggregate classification.
Comment: This variant is classified as likely benign based on ACMG/AMP sequence variant interpretation guidelines (Richards et al. 2015 PMID: 25741868, with internal and published modifications).

NM_006180.6(NTRK2):c.846T>C (p.Thr282=)

Gene: NTRK2 (neurotrophic receptor tyrosine kinase 2; plus strand). Cytogenetic location: 9q21.33.
Variant type: single nucleotide variant.
Coding change: c.846T>C on transcript NM_006180.6 (MANE Select); coding-DNA position 846, T replaced by C.
Protein change: p.Thr282=; no amino-acid change (threonine 282 retained).
Molecular consequence: synonymous variant.
Genome position (GRCh38, 1-based): chr9:84,724,349, T>C. VCF-style: chr9-84724349-T-C. GRCh37 (hg19) VCF-style: chr9-87339264-T-C.
Other names: c.846T>C, p.Thr282= (NM_001007097.3, NM_001018064.3, NM_001018065.2 and 18 more transcripts); c.378T>C, p.Thr126= (NM_001369535.1, NM_001369536.1, NM_001369550.1 and 2 more transcripts).
Identifiers: ClinVar variation 746366 (VCV000746366.7), dbSNP rs200173511, ClinGen allele CA5105580.
Genomic context (GRCh38, chr9:84,724,349, plus strand): 5'-GCAGATCTCTTGTGTGGCGGAAAATCTTGTAGGAGAAGATCAAGATTCTGTCAACCTCAC[T>C]GTGCATTGTACGTAATCAGACTGGCATGTGTTTTTAATAGCAAATGATCATGGACGTACC-3'
Protein context (NP_006171.2, residues 272-292): VGEDQDSVNL[Thr282=]VHFAPTITFL